The following is an entry in ClinVar:

NM_000553.6(WRN):c.2942T>G (p.Leu981Arg)

Gene: WRN (WRN RecQ like helicase; plus strand). Cytogenetic location: 8p12.
Variant type: single nucleotide variant.
Coding change: c.2942T>G on transcript NM_000553.6 (MANE Select); coding-DNA position 2942, T replaced by G.
Protein change: p.Leu981Arg; replaces leucine 981 with arginine.
Molecular consequence: missense variant.
Genome position (GRCh38, 1-based): chr8:31,132,481, T>G. VCF-style: chr8-31132481-T-G. GRCh37 (hg19) VCF-style: chr8-30989997-T-G.
Other names: c.2942T>G (NM_000553.4); short protein forms L981R.
Identifiers: ClinVar variation 1052904 (VCV001052904.3), dbSNP rs1802221223, ClinGen allele CA370919214.

ClinVar aggregate classification (germline): Uncertain significance. Review status: criteria provided, multiple submitters, no conflicts (2 of 4 stars). 2 submissions from 2 submitters: Uncertain significance (2). Last evaluated 2025-02-13.

Conditions:
Inborn genetic diseases. Identifiers: MedGen C0950123, MeSH D030342.
Werner syndrome (WRN). Identifiers: Orphanet 902, MedGen C0043119, MONDO:0010196, OMIM 277700.

Allele frequency attached by ClinVar (database versions not stated): TOPMed 0.00001.

Submissions (2):

Ambry Genetics
Classification: Uncertain significance for Inborn genetic diseases. Last evaluated: 2025-02-13. Review status: criteria provided, single submitter. Criteria: Ambry Variant Classification Scheme 2023. Collection method: clinical testing. Allele origin: germline.

Labcorp Genetics (formerly Invitae), Labcorp
Classification: Uncertain significance for Werner syndrome. Last evaluated: 2022-01-28. Review status: criteria provided, single submitter. Criteria: Invitae Variant Classification Sherloc (09022015). Collection method: clinical testing. Allele origin: germline.
Comment: This sequence change replaces leucine, which is neutral and non-polar, with arginine, which is basic and polar, at codon 981 of the WRN protein (p.Leu981Arg). This variant is not present in population databases (gnomAD no frequency). This variant has not been reported in the literature in individuals affected with WRN-related conditions. ClinVar contains an entry for this variant (Variation ID: 1052904). Algorithms developed to predict the effect of missense changes on protein structure and function are either unavailable or do not agree on the potential impact of this missense change (SIFT: "Not Available"; PolyPhen-2: "Possibly Damaging"; Align-GVGD: "Not Available"). In summary, the available evidence is currently insufficient to determine the role of this variant in disease. Therefore, it has been classified as a Variant of Uncertain Significance.